The following is an entry in ClinVar:

NM_031407.7(HUWE1):c.3238C>T (p.Arg1080Cys)

Gene: HUWE1 (HECT, UBA and WWE domain containing E3 ubiquitin protein ligase 1; minus strand). Cytogenetic location: Xp11.22.
Variant type: single nucleotide variant.
Coding change: c.3238C>T on transcript NM_031407.7 (MANE Select); coding-DNA position 3238, C replaced by T.
Protein change: p.Arg1080Cys; replaces arginine 1080 with cysteine.
Molecular consequence: missense variant.
Genome position (GRCh38, 1-based): chrX:53,595,329, G>A on the plus strand (C>T on the coding strand, the complement: HUWE1 is on the minus strand). VCF-style: chrX-53595329-G-A. GRCh37 (hg19) VCF-style: chrX-53622289-G-A.
Other names: short protein forms R1080C.
Identifiers: ClinVar variation 3600507 (VCV003600507.1).

ClinVar aggregate classification (germline): Uncertain significance (1 of 4 stars; one submission).

Conditions:
Intellectual developmental disorder, X-linked, syndromic, Turner type. Also called: X-linked intellectual disability, Turner type; Intellectual disability, X-linked syndromic, Turner type. Identifiers: Orphanet 3056, Orphanet 85328, MedGen C2678046, MONDO:0010407, OMIM 309590.

gnomAD v4.1: 1 of 1,210,867 alleles (0.000083%); highest among the groups gnomAD compares: Non-Finnish European, 0.00011%; no homozygotes.

Submission:

Clinical Genomics Laboratory, Washington University in St. Louis
Classification: Uncertain significance for Intellectual developmental disorder, X-linked, syndromic, Turner type. Last evaluated: 2024-10-25. Review status: criteria provided, single submitter. Criteria: ACMG Guidelines, 2015. Collection method: clinical testing. Allele origin: germline.
Comment: The HUWE1 c.3238C>T (p.Arg1080Cys) variant, to our knowledge, has not been reported in the medical literature and is absent from the general population (gnomAD v.2.1.1), indicating it is not a common variant. Computational predictors are uncertain as to the impact of this variant on the HUWE1 function. Due to limited information, and based on ACMG/AMP guidelines for variant interpretation (Richards S et al., PMID: 25741868), the clinical significance of this variant is uncertain at this time.